The following is an entry in ClinVar:

NM_005609.4(PYGM):c.999+10G>A

Gene: PYGM (glycogen phosphorylase, muscle associated; minus strand). Cytogenetic location: 11q13.1.
Variant type: single nucleotide variant.
Coding change: c.999+10G>A on transcript NM_005609.4 (MANE Select); 10 bases into the intron after coding-DNA position 999, G replaced by A.
Molecular consequence: intron variant.
Genome position (GRCh38, 1-based): chr11:64,754,683, C>T on the plus strand (G>A on the coding strand, the complement: PYGM is on the minus strand). VCF-style: chr11-64754683-C-T. GRCh37 (hg19) VCF-style: chr11-64522155-C-T.
Other names: c.735+10G>A (NM_001164716.1).
Identifiers: ClinVar variation 514794 (VCV000514794.9), dbSNP rs199638571, ClinGen allele CA6080050.

ClinVar aggregate classification (germline): Likely benign. Review status: criteria provided, multiple submitters, no conflicts (2 of 4 stars). 2 submissions from 2 submitters: Likely benign (2). Last evaluated 2025-12-02.

Conditions:
Glycogen storage disease, type V (GSD5). Also called: McArdle type glycogen storage disease; PYGM DEFICIENCY; MCARDLE DISEASE; MUSCLE GLYCOGEN PHOSPHORYLASE DEFICIENCY; MYOPHOSPHORYLASE DEFICIENCY. Identifiers: Orphanet 368, MedGen C0017924, MONDO:0009293, OMIM 232600.

Allele frequency attached by ClinVar (database versions not stated): ExAC 0.00002; gnomAD 0.00002; TOPMed 0.00002; gnomAD exomes 0.00004; ESP Exome Variant Server 0.00008.
gnomAD v4.1: 124 of 1,612,784 alleles (0.0077%); highest among the groups gnomAD compares: Non-Finnish European, 0.01%; no homozygotes.

Submissions (2):

Labcorp Genetics (formerly Invitae), Labcorp
Classification: Likely benign for Glycogen storage disease, type V. Last evaluated: 2025-12-02. Review status: criteria provided, single submitter. Criteria: Invitae Variant Classification Sherloc (09022015). Collection method: clinical testing. Allele origin: germline.

GeneDx
Classification: Likely benign. Last evaluated: 2018-01-29. Review status: criteria provided, single submitter. Criteria: GeneDx Variant Classification (06012015). Collection method: clinical testing. Allele origin: germline. Affected: yes.
Comment: This variant is considered likely benign or benign based on one or more of the following criteria: it is a conservative change, it occurs at a poorly conserved position in the protein, it is predicted to be benign by multiple in silico algorithms, and/or has population frequency not consistent with disease.